The following is an entry in ClinVar:

NM_015047.3(EMC1):c.2583G>T (p.Leu861=)

Genes: EMC1 (ER membrane protein complex subunit 1; minus strand), EMC1-AS1 (EMC1 antisense RNA 1; plus strand). Cytogenetic location: 1p36.13.
Variant type: single nucleotide variant.
Coding change: c.2583G>T on transcript NM_015047.3 (MANE Select); coding-DNA position 2583, G replaced by T.
Protein change: p.Leu861=; no amino-acid change (leucine 861 retained).
Molecular consequence: synonymous variant.
Genome position (GRCh38, 1-based): chr1:19,222,628, C>A on the plus strand (G>T on the coding strand, the complement: EMC1 is on the minus strand). VCF-style: chr1-19222628-C-A. GRCh37 (hg19) VCF-style: chr1-19549122-C-A.
Other names: c.2580G>T, p.Leu860= (NM_001271427.2, NM_001271428.2); c.2517G>T, p.Leu839= (NM_001271429.2); c.2592G>T, p.Leu864= (NM_001375820.1); c.2589G>T, p.Leu863= (NM_001375821.1).
Identifiers: ClinVar variation 4979702 (VCV004979702.1).

ClinVar aggregate classification (germline): Likely benign (1 of 4 stars; one submission).

Conditions:
EMC1-related disorder. Also called: EMC1-related condition.

gnomAD v4.1: 13 of 1,613,408 alleles (0.00081%); highest among the groups gnomAD compares: African/African-American, 0.015%; no homozygotes.

Submission:

PreventionGenetics, part of Exact Sciences
Classification: Likely benign for EMC1-related condition. Last evaluated: 2026-03-20. Review status: criteria provided, single submitter. Criteria: ACMG Guidelines, 2015. Collection method: clinical testing. Allele origin: germline.
Comment: This variant is classified as likely benign based on ACMG/AMP sequence variant interpretation guidelines (Richards et al. 2015 PMID: 25741868, with internal and published modifications).